The following is an entry in ClinVar:

ClinVar aggregate classification (germline): Uncertain significance (1 of 4 stars; one submission).

Allele frequency attached by ClinVar (database versions not stated): gnomAD exomes below 0.00001.
gnomAD v4.1: 3 of 1,164,200 alleles (0.00026%); highest among the groups gnomAD compares: Non-Finnish European, 0.00034%; no homozygotes.

Submission:

Labcorp Genetics (formerly Invitae), Labcorp
Classification: Uncertain significance. Last evaluated: 2022-02-04. Review status: criteria provided, single submitter. Criteria: Invitae Variant Classification Sherloc (09022015). Collection method: clinical testing. Allele origin: germline.
Comment: In summary, the available evidence is currently insufficient to determine the role of this variant in disease. Therefore, it has been classified as a Variant of Uncertain Significance. Variants that disrupt the consensus splice site are a relatively common cause of aberrant splicing (PMID: 17576681, 9536098). Algorithms developed to predict the effect of sequence changes on RNA splicing suggest that this variant may disrupt the consensus splice site. This variant has not been reported in the literature in individuals affected with STAG2-related conditions. This variant is not present in population databases (gnomAD no frequency). This sequence change falls in intron 21 of the STAG2 gene. It does not directly change the encoded amino acid sequence of the STAG2 protein. It affects a nucleotide within the consensus splice site.

Literature cited by the submitters: PubMed 17576681; PubMed 9536098.

NM_001042750.2(STAG2):c.2096+3A>G

Gene: STAG2 (STAG2 cohesin complex component; plus strand). Cytogenetic location: Xq25.
Variant type: single nucleotide variant.
Coding change: c.2096+3A>G on transcript NM_001042750.2 (MANE Select); 3 bases into the intron after coding-DNA position 2096, A replaced by G.
Molecular consequence: intron variant.
Genome position (GRCh38, 1-based): chrX:124,065,949, A>G. VCF-style: chrX-124065949-A-G. GRCh37 (hg19) VCF-style: chrX-123199799-A-G.
Other names: c.2096+3A>G (NM_001042749.2, NM_001375366.1, NM_001375373.1 and 13 more transcripts).
Identifiers: ClinVar variation 1399622 (VCV001399622.6), dbSNP rs1192852217, ClinGen allele CA644256191.